The following is an entry in ClinVar:

NM_182916.3(TRNT1):c.5_12del (p.Leu2fs)

Gene: TRNT1 (tRNA nucleotidyl transferase 1; plus strand). Cytogenetic location: 3p26.2.
Variant type: Deletion.
Coding change: c.5_12del on transcript NM_182916.3 (MANE Select); coding-DNA positions 5 to 12, 8 bases deleted (TGAGGTGC; older notation c.5_12delTGAGGTGC).
Protein change: p.Leu2fs; shifts the reading frame from leucine 2.
Molecular consequence: frameshift variant, initiator codon variant. On other transcripts: non-coding transcript variant (11).
Genome position (GRCh38, 1-based): chr3:3,129,045-3,129,052, TGAGGTGC deleted; deleting any 8 consecutive bases within chr3:3,129,042-3,129,052 gives the same sequence; the c. name uses the placement nearest the transcript's 3' end. VCF-style (leftmost placement, unchanged base first): chr3-3129041-ATGCTGAGG-A. GRCh37 (hg19) VCF-style: chr3-3170725-ATGCTGAGG-A.
Other names: c.5_12del, p.Leu2fs (NM_001302946.2, NM_001367321.1, NM_001367322.1 and 1 more transcripts); short protein forms L2fs.
Identifiers: ClinVar variation 3017738 (VCV003017738.3), dbSNP rs1168431515, ClinGen allele CA541112790.
Genomic context (GRCh38, chr3:3,129,041, plus strand): 5'-TTTCATTGGTATGCCTGTGTATTTGCCTTGTAGATGTGTAGTTGGTGACTGCCTCTCCAG[ATGCTGAGG>A]TGCCTGTATCATTGGCACAGGCCAGTGCTGAACCGTAGGTGGAGTAGGCTGTGCCTTCCG-3'

ClinVar aggregate classification (germline): Pathogenic (1 of 4 stars; one submission).

Conditions:
Congenital sideroblastic anemia-B-cell immunodeficiency-periodic fever-developmental delay syndrome. Also called: Sideroblastic anemia with B-cell immunodeficiency, periodic fevers, and developmental delay. Identifiers: Orphanet 369861, MedGen C4015172, MONDO:0014487, OMIM 616084.

Submission:

Labcorp Genetics (formerly Invitae), Labcorp
Classification: Pathogenic for Congenital sideroblastic anemia-B-cell immunodeficiency-periodic fever-developmental delay syndrome. Last evaluated: 2023-01-03. Review status: criteria provided, single submitter. Criteria: Invitae Variant Classification Sherloc (09022015). Collection method: clinical testing. Allele origin: germline.
Comment: The frequency data for this variant in the population databases is considered unreliable, as metrics indicate poor data quality at this position in the gnomAD database. For these reasons, this variant has been classified as Pathogenic. This variant has not been reported in the literature in individuals affected with TRNT1-related conditions. This sequence change creates a premature translational stop signal (p.Leu2Profs*12) in the TRNT1 gene. It is expected to result in an absent or disrupted protein product. Loss-of-function variants in TRNT1 are known to be pathogenic (PMID: 25193871).

Literature cited by the submitters: PubMed 25193871.